The following is an entry in ClinVar:

ClinVar aggregate classification (germline): Uncertain significance (1 of 4 stars; one submission).

Allele frequency attached by ClinVar (database versions not stated): gnomAD exomes 0.00001.
gnomAD v4.1: 9 of 1,614,102 alleles (0.00056%); highest among the groups gnomAD compares: Non-Finnish European, 0.00076%; no homozygotes.

Submission:

GeneDx
Classification: Uncertain significance. Last evaluated: 2026-01-29. Review status: criteria provided, single submitter. Criteria: GeneDx Variant Classification Process June 2021. Collection method: clinical testing. Allele origin: germline.
Comment: Not observed at significant frequency in large population cohorts (gnomAD); In silico analysis supports that this missense variant has a deleterious effect on protein structure/function; Has not been previously published as pathogenic or benign to our knowledge

NM_001270.4(CHD1):c.727A>G (p.Lys243Glu)

Gene: CHD1 (chromodomain helicase DNA binding protein 1; minus strand). Cytogenetic location: 5q21.1.
Variant type: single nucleotide variant.
Coding change: c.727A>G on transcript NM_001270.4 (MANE Select); coding-DNA position 727, A replaced by G.
Protein change: p.Lys243Glu; replaces lysine 243 with glutamic acid.
Molecular consequence: missense variant. On other transcripts: non-coding transcript variant (2).
Genome position (GRCh38, 1-based): chr5:98,900,943, T>C on the plus strand (A>G on the coding strand, the complement: CHD1 is on the minus strand). VCF-style: chr5-98900943-T-C. GRCh37 (hg19) VCF-style: chr5-98236647-T-C.
Other names: c.727A>G, p.Lys243Glu (NM_001364113.3, NM_001376194.2); short protein forms K243E.
Identifiers: ClinVar variation 3253218 (VCV003253218.2), dbSNP rs2479715291.